The following continues an entry in ClinVar:

NM_001267550.2(TTN):c.45599C>G (p.Ala15200Gly)

ClinVar aggregate classification (germline): Conflicting classifications of pathogenicity. Uncertain significance (6); Benign (10); Likely benign (4).

Submissions 16 to 24 of 24:

Ambry Genetics
Classification: Benign for Cardiovascular phenotype. Last evaluated: 2017-11-29. Review status: criteria provided, single submitter. Criteria: Ambry Variant Classification Scheme 2023. Collection method: clinical testing. Allele origin: germline.

Eurofins Ntd Llc (ga)
Classification: Benign. Last evaluated: 2017-07-03. Review status: criteria provided, single submitter. Criteria: EGL Classification Definitions 2015. Collection method: clinical testing. Allele origin: germline. Observed: 7 variant alleles, 7 heterozygotes.

Genomic Diagnostic Laboratory, Division of Genomic Diagnostics, Children's Hospital of Philadelphia
Classification: Uncertain significance. Last evaluated: 2015-07-10. Review status: criteria provided, single submitter. Criteria: DGD Variant Analysis Guidelines. Collection method: clinical testing. Allele origin: unknown.

Genetic Services Laboratory, University of Chicago
Classification: Uncertain significance. Last evaluated: 2014-03-31. Review status: criteria provided, single submitter. Criteria: ACMG Guidelines, 2007. Collection method: clinical testing. Allele origin: germline.

Biesecker Lab/Clinical Genomics Section, National Institutes of Health
Classification: Likely benign. Last evaluated: 2013-06-24. Review status: criteria provided, single submitter. Criteria: Ng et al. (Circ Cardiovasc Genet. 2013). Collection method: research. Allele origin: unknown. Observed: 3 variant alleles. Study: ClinSeq.
Comment: The study set was not selected for affection status in relation to any cancer. Pathogenicity categories were based on literature curation. See Pubmed ID:23861362 for details.

Medical sequencing

PreventionGenetics, part of Exact Sciences
Classification: Likely benign for TTN-related condition. Last evaluated: 2022-08-26. Review status: no assertion criteria provided. Collection method: clinical testing. Allele origin: germline. Not counted in ClinVar's aggregate classification.
Comment: This variant is classified as likely benign based on ACMG/AMP sequence variant interpretation guidelines (Richards et al. 2015 PMID: 25741868, with internal and published modifications).

OMIM
Classification: Pathogenic for MUSCULAR DYSTROPHY, LIMB-GIRDLE, AUTOSOMAL RECESSIVE 10. Last evaluated: 2019-04-17. Review status: no assertion criteria provided. Collection method: literature only. Allele origin: germline. Not counted in ClinVar's aggregate classification.

Dr. Peter K. Rogan Lab, Western University
No classification provided (evidence only). Condition: Thyroid cancer, nonmedullary, 1. Review status: no classification provided. Collection method: in vitro. Allele origin: not applicable. Functional consequence: retained intron. Not counted in ClinVar's aggregate classification.

Dr. Peter K. Rogan Lab, Western University
No classification provided (evidence only). Condition: Cervical cancer. Review status: no classification provided. Collection method: in vitro. Allele origin: not applicable. Functional consequence: retained intron. Not counted in ClinVar's aggregate classification.

Literature cited by the submitters: PubMed 25772186 (cited by 4 submitters); PubMed 23861362 (cited by Athena Diagnostics and Ambry Genetics); PubMed 27854218 (cited by Athena Diagnostics and Women's Health and Genetics/Laboratory Corporation of America, LabCorp); PubMed 38689299 (cited by Athena Diagnostics); PubMed 23396983 (cited by Women's Health and Genetics/Laboratory Corporation of America, LabCorp and Ambry Genetics); PubMed 27854229 (cited by Ambry Genetics).